The following is an entry in ClinVar:

NM_000441.2(SLC26A4):c.1592A>C (p.Lys531Thr)

Gene: SLC26A4 (solute carrier family 26 member 4; plus strand). Cytogenetic location: 7q22.3.
Variant type: single nucleotide variant.
Coding change: c.1592A>C on transcript NM_000441.2 (MANE Select); coding-DNA position 1592, A replaced by C.
Protein change: p.Lys531Thr; replaces lysine 531 with threonine.
Molecular consequence: missense variant.
Genome position (GRCh38, 1-based): chr7:107,698,089, A>C. VCF-style: chr7-107698089-A-C. GRCh37 (hg19) VCF-style: chr7-107338534-A-C.
Other names: short protein forms K531T.
Identifiers: ClinVar variation 177682 (VCV000177682.5), dbSNP rs111033191, ClinGen allele CA180610.

ClinVar aggregate classification (germline): Uncertain significance (1 of 4 stars; one submission).

Submission:

Laboratory for Molecular Medicine, Mass General Brigham Personalized Medicine
Classification: Uncertain significance. Last evaluated: 2015-12-08. Review status: criteria provided, single submitter. Criteria: LMM Criteria. Collection method: clinical testing. Allele origin: germline. Observed: 2 variant alleles.
Comment: Variant classified as Uncertain Significance - Favor Pathogenic. This variant has not been identified in large population s tudies. Computational prediction tools and conservation analyses suggest that th e p.Lys531Thr variant may impact the protein, though this information is not pre dictive enough to determine pathogenicity. However, the presence of this variant in trans with a reported pathogenic variant in SLC26A4 in an individual with he aring loss and EVA, the extremely low allele frequency in the general population , and computational predictions increase the likelihood that the p.Lys531Thr var iant is pathogenic. In summary, while there is some suspicion for a pathogenic role, the clinical significance of the p.Lys531Thr variant is uncertain.